The following is an entry in ClinVar:

NM_003482.4(KMT2D):c.6423_6439del (p.Phe2142fs)

Gene: KMT2D (lysine methyltransferase 2D; minus strand). Cytogenetic location: 12q13.12.
Variant type: Deletion.
Coding change: c.6423_6439del on transcript NM_003482.4 (MANE Select); coding-DNA positions 6423 to 6439, 17 bases deleted (GTTCCTGAAGCCGCCGG).
Protein change: p.Phe2142fs; shifts the reading frame from phenylalanine 2142.
Molecular consequence: frameshift variant.
Genome position (GRCh38, 1-based): chr12:49,041,331-49,041,347, CCGGCGGCTTCAGGAAC deleted on the plus strand (GTTCCTGAAGCCGCCGG on the coding strand, the reverse complement: KMT2D is on the minus strand); deleting any 17 consecutive bases within chr12:49,041,331-49,041,350 gives the same sequence; the c. name uses the placement nearest the transcript's 3' end. VCF-style (leftmost placement, unchanged base first): chr12-49041330-GCCGGCGGCTTCAGGAAC-G. GRCh37 (hg19) VCF-style: chr12-49435113-GCCGGCGGCTTCAGGAAC-G.
Other names: short protein forms F2142fs.
Identifiers: ClinVar variation 2097473 (VCV002097473.4), dbSNP rs2498403357, ClinGen allele CA2580086376.

ClinVar aggregate classification (germline): Pathogenic (1 of 4 stars; one submission).

Conditions:
Kabuki syndrome. Also called: Kabuki make-up syndrome; NIIKAWA-KUROKI SYNDROME. Identifiers: Orphanet 2322, MedGen C0796004, MONDO:0016512.

Submission:

Labcorp Genetics (formerly Invitae), Labcorp
Classification: Pathogenic for Kabuki syndrome. Last evaluated: 2022-02-13. Review status: criteria provided, single submitter. Criteria: Invitae Variant Classification Sherloc (09022015). Collection method: clinical testing. Allele origin: germline.
Comment: This sequence change creates a premature translational stop signal (p.Phe2142Glyfs*7) in the KMT2D gene. It is expected to result in an absent or disrupted protein product. Loss-of-function variants in KMT2D are known to be pathogenic (PMID: 22126750). This variant is not present in population databases (gnomAD no frequency). This variant has not been reported in the literature in individuals affected with KMT2D-related conditions. For these reasons, this variant has been classified as Pathogenic.

Literature cited by the submitters: PubMed 22126750.